The following is an entry in ClinVar:

ClinVar aggregate classification (germline): Likely pathogenic (1 of 4 stars; one submission).

Submission:

CeGaT Center for Human Genetics Tuebingen
Classification: Likely pathogenic. Last evaluated: 2022-11-01. Review status: criteria provided, single submitter. Criteria: CeGaT Center For Human Genetics Tuebingen Variant Classification Criteria Version 2. Collection method: clinical testing. Allele origin: germline. Affected: yes. Observed: 1 variant allele.
Comment: CHD2: PS2, PM2, PP2

NM_001271.4(CHD2):c.3796G>T (p.Asp1266Tyr)

Gene: CHD2 (chromodomain helicase DNA binding protein 2; plus strand). Cytogenetic location: 15q26.1.
Variant type: single nucleotide variant.
Coding change: c.3796G>T on transcript NM_001271.4 (MANE Select); coding-DNA position 3796, G replaced by T.
Protein change: p.Asp1266Tyr; replaces aspartic acid 1266 with tyrosine.
Molecular consequence: missense variant.
Genome position (GRCh38, 1-based): chr15:92,997,314, G>T. VCF-style: chr15-92997314-G-T. GRCh37 (hg19) VCF-style: chr15-93540544-G-T.
Other names: short protein forms D1266Y.
Identifiers: ClinVar variation 1879310 (VCV001879310.29), dbSNP rs2505590786, ClinGen allele CA393898471.
Genomic context (GRCh38, chr15:92,997,314, plus strand): 5'-TACTGCTTAACCTGTCGTGTCAAAGCTGCACATTTTGATGTAGAGTGGGGGGTGGAAGAT[G>T]ATTCTCGCCTGTTGCTGGGGATTTATGAACATGGCTATGGAAACTGGGAGTTAATTAAAA-3'
Protein context (NP_001262.3, residues 1256-1276): HFDVEWGVED[Asp1266Tyr]SRLLLGIYEH